The following is an entry in ClinVar:

NM_001370259.2(MEN1):c.1602G>A (p.Thr534=)

Gene: MEN1 (menin 1; minus strand). Cytogenetic location: 11q13.1.
Variant type: single nucleotide variant.
Coding change: c.1602G>A on transcript NM_001370259.2 (MANE Select); coding-DNA position 1602, G replaced by A.
Protein change: p.Thr534=; no amino-acid change (threonine 534 retained).
Molecular consequence: synonymous variant.
Genome position (GRCh38, 1-based): chr11:64,804,565, C>T on the plus strand (G>A on the coding strand, the complement: MEN1 is on the minus strand). VCF-style: chr11-64804565-C-T. GRCh37 (hg19) VCF-style: chr11-64572037-C-T.
Other names: c.1617G>A, p.Thr539= (NM_000244.4, NM_130800.3, NM_130801.3 and 3 more transcripts); c.1728G>A, p.Thr576= (NM_001370251.2); c.1602G>A, p.Thr534= (NM_001370260.2, NM_001370261.2, NM_130799.3); c.1497G>A, p.Thr499= (NM_001370262.2, NM_001370263.2).
Identifiers: ClinVar variation 744207 (VCV000744207.11), dbSNP rs1592631034, ClinGen allele CA475163778.
Genomic context (GRCh38, chr11:64,804,565, plus strand): 5'-CTGGAAAGTGAGCACTGGACCCTCCGGCGGTGGTGATGCTGTGGGTGCTGGCACCTGAGC[C>T]GTGCTGCCACCTTCAGGGCCTCGGGCTGTGCCAGCGACAGTCCCAGGAGGCTTCCGGGGG-3'
Protein context (NP_001357188.2, residues 524-544): GTARGPEGGS[Thr534=]AQVPAPTASP

ClinVar aggregate classification (germline): Benign/Likely benign. Review status: criteria provided, multiple submitters, no conflicts (2 of 4 stars). 3 submissions from 3 submitters: Benign (1); Likely benign (2). Last evaluated 2024-11-05.

Conditions:
Multiple endocrine neoplasia, type 1 (MEN1). Also called: MEA I; MEN I; WERMER SYNDROME; Endocrine adenomatosis multiple; MEN 1. Identifiers: Orphanet 652, MedGen C0025267, MeSH D018761, MONDO:0007540, OMIM 131100.
Hereditary cancer-predisposing syndrome. Also called: Tumor predisposition; Hereditary Cancer Syndrome; Neoplastic Syndromes, Hereditary; Hereditary neoplastic syndrome. Identifiers: Orphanet 140162, MedGen C0027672, MeSH D009386, MONDO:0015356.

Allele frequency attached by ClinVar (database versions not stated): gnomAD exomes below 0.00001.
gnomAD v4.1: 1 of 1,613,254 alleles (0.000062%); highest among the groups gnomAD compares: Non-Finnish European, 0.000085%; no homozygotes.

Submissions (3):

Myriad Genetics, Inc.
Classification: Benign for Multiple endocrine neoplasia, type 1. Last evaluated: 2024-11-05. Review status: criteria provided, single submitter. Criteria: Myriad Autosomal Dominant, Autosomal Recessive and X-Linked Classification Criteria (2023). Collection method: clinical testing. Allele origin: unknown.
Comment: This variant is considered benign. This variant is a silent/synonymous amino acid change and it is not expected to impact splicing.

Labcorp Genetics (formerly Invitae), Labcorp
Classification: Likely benign for Multiple endocrine neoplasia, type 1. Last evaluated: 2024-10-12. Review status: criteria provided, single submitter. Criteria: Invitae Variant Classification Sherloc (09022015). Collection method: clinical testing. Allele origin: germline.

Ambry Genetics
Classification: Likely benign for Hereditary cancer-predisposing syndrome. Last evaluated: 2019-06-21. Review status: criteria provided, single submitter. Criteria: Ambry Variant Classification Scheme 2023. Collection method: clinical testing. Allele origin: germline.